The following is an entry in ClinVar:

ClinVar aggregate classification (germline): Uncertain significance. Review status: criteria provided, multiple submitters, no conflicts (2 of 4 stars). 4 submissions from 4 submitters: Uncertain significance (4). Last evaluated 2025-01-16.

Conditions:
ARSA-related disorder. Also called: ARSA-related condition.
Metachromatic leukodystrophy (MLD). Also called: SULFATIDE LIPIDOSIS; ARSA DEFICIENCY; CEREBROSIDE SULFATASE DEFICIENCY; METACHROMATIC LEUKOENCEPHALOPATHY; Cerebral sclerosis diffuse metachromatic form; Arylsulfatase A Deficiency. Identifiers: Orphanet 512, MedGen C0023522, MONDO:0018868, OMIM 250100.
Inborn genetic diseases. Identifiers: MedGen C0950123, MeSH D030342.

Allele frequency attached by ClinVar (database versions not stated): gnomAD 0.00008; TOPMed 0.00008.

Submissions (4):

GeneDx
Classification: Uncertain significance. Last evaluated: 2025-01-16. Review status: criteria provided, single submitter. Criteria: GeneDx Variant Classification Process June 2021. Collection method: clinical testing. Allele origin: germline. Affected: yes.
Comment: In silico analysis supports that this missense variant has a deleterious effect on protein structure/function; Not observed at significant frequency in large population cohorts (gnomAD); This variant is associated with the following publications: (PMID: 37480112)

PreventionGenetics, part of Exact Sciences
Classification: Uncertain significance for ARSA-related condition. Last evaluated: 2024-11-25. Review status: criteria provided, single submitter. Criteria: ACMG Guidelines, 2015. Collection method: clinical testing. Allele origin: germline.
Comment: The ARSA c.1118A>C variant is predicted to result in the amino acid substitution p.Gln373Pro. To our knowledge, this variant has not been reported in the literature. This variant is reported in 0.012% of alleles in individuals of African descent in gnomAD. At this time, the clinical significance of this variant is uncertain due to the absence of conclusive functional and genetic evidence.

Labcorp Genetics (formerly Invitae), Labcorp
Classification: Uncertain significance for Metachromatic leukodystrophy. Last evaluated: 2022-08-23. Review status: criteria provided, single submitter. Criteria: Invitae Variant Classification Sherloc (09022015). Collection method: clinical testing. Allele origin: germline.
Comment: This sequence change replaces glutamine, which is neutral and polar, with proline, which is neutral and non-polar, at codon 373 of the ARSA protein (p.Gln373Pro). This variant is present in population databases (no rsID available, gnomAD 0.01%). This variant has not been reported in the literature in individuals affected with ARSA-related conditions. Algorithms developed to predict the effect of missense changes on protein structure and function (SIFT, PolyPhen-2, Align-GVGD) all suggest that this variant is likely to be tolerated. In summary, the available evidence is currently insufficient to determine the role of this variant in disease. Therefore, it has been classified as a Variant of Uncertain Significance.

Ambry Genetics
Classification: Uncertain significance for Inborn genetic diseases. Last evaluated: 2022-05-27. Review status: criteria provided, single submitter. Criteria: Ambry Variant Classification Scheme 2023. Collection method: clinical testing. Allele origin: germline.

NM_000487.6(ARSA):c.1118A>C (p.Gln373Pro)

Gene: ARSA (arylsulfatase A; minus strand). Cytogenetic location: 22q13.33.
Variant type: single nucleotide variant.
Coding change: c.1118A>C on transcript NM_000487.6 (MANE Select); coding-DNA position 1118, A replaced by C.
Protein change: p.Gln373Pro; replaces glutamine 373 with proline.
Molecular consequence: missense variant.
Genome position (GRCh38, 1-based): chr22:50,625,671, T>G on the plus strand (A>C on the coding strand, the complement: ARSA is on the minus strand). VCF-style: chr22-50625671-T-G. GRCh37 (hg19) VCF-style: chr22-51064099-T-G.
Other names: c.1118A>C, p.Gln373Pro (NM_001085425.3, NM_001085426.3, NM_001085427.3); c.860A>C, p.Gln287Pro (NM_001085428.3, NM_001362782.2); c.1118A>C (NM_000487.5); short protein forms Q287P, Q373P.
Identifiers: ClinVar variation 2212975 (VCV002212975.9), dbSNP rs369543471, ClinGen allele CA325531269.